The following is an entry in ClinVar:

ClinVar aggregate classification (germline): Uncertain significance (1 of 4 stars; one submission).

Conditions:
Fetal akinesia deformation sequence 1 (FADS1). Also called: Pena-Shokeir syndrome type I; Fetal akinesia sequence. Identifiers: Orphanet 994, MedGen C1276035, MONDO:0100101, OMIM 208150, HP:0001989.
Congenital myasthenic syndrome 10. Also called: Myasthenia, limb-girdle, familial. Identifiers: Orphanet 590, MedGen C1850792, MONDO:0009690, OMIM 254300.

Allele frequency attached by ClinVar (database versions not stated): gnomAD exomes below 0.00001.
gnomAD v4.1: 2 of 1,613,814 alleles (0.00012%); highest among the groups gnomAD compares: Admixed American, 0.0033%; no homozygotes.

Submission:

Labcorp Genetics (formerly Invitae), Labcorp
Classification: Uncertain significance for Congenital myasthenic syndrome 10; Fetal akinesia deformation sequence 1. Last evaluated: 2023-10-19. Review status: criteria provided, single submitter. Criteria: Invitae Variant Classification Sherloc (09022015). Collection method: clinical testing. Allele origin: germline.
Comment: This sequence change replaces serine, which is neutral and polar, with glycine, which is neutral and non-polar, at codon 165 of the DOK7 protein (p.Ser165Gly). This variant is present in population databases (no rsID available, gnomAD 0.003%). This variant has not been reported in the literature in individuals affected with DOK7-related conditions. ClinVar contains an entry for this variant (Variation ID: 1390207). Algorithms developed to predict the effect of missense changes on protein structure and function output the following: SIFT: "Not Available"; PolyPhen-2: "Benign"; Align-GVGD: "Not Available". The glycine amino acid residue is found in multiple mammalian species, which suggests that this missense change does not adversely affect protein function. In summary, the available evidence is currently insufficient to determine the role of this variant in disease. Therefore, it has been classified as a Variant of Uncertain Significance.

NM_173660.5(DOK7):c.493A>G (p.Ser165Gly)

Gene: DOK7 (docking protein 7; plus strand). Cytogenetic location: 4p16.3.
Variant type: single nucleotide variant.
Coding change: c.493A>G on transcript NM_173660.5 (MANE Select); coding-DNA position 493, A replaced by G.
Protein change: p.Ser165Gly; replaces serine 165 with glycine.
Molecular consequence: missense variant. On other transcripts: intron variant (1).
Genome position (GRCh38, 1-based): chr4:3,476,503, A>G. VCF-style: chr4-3476503-A-G. GRCh37 (hg19) VCF-style: chr4-3478230-A-G.
Other names: c.493A>G, p.Ser165Gly (NM_001164673.2, NM_001301071.2); c.101-9036A>G (NM_001363811.2); short protein forms S165G.
Identifiers: ClinVar variation 1390207 (VCV001390207.8), dbSNP rs1470827824, ClinGen allele CA356114437.
Genomic context (GRCh38, chr4:3,476,503, plus strand): 5'-CCCCCGGCTGTCACGGGGCAGTGGAAGCTGTCTGACCTCCGGCGCTACGGGGCCGTGCCA[A>G]GCGGATTCATCTTTGAAGGCGGGACCAGGTGTGGGTACTGTAAGTACGGATGTGTGGGGT-3'
Protein context (NP_775931.3, residues 155-175): SDLRRYGAVP[Ser165Gly]GFIFEGGTRC